The following is an entry in ClinVar:

NM_138691.3(TMC1):c.362+1G>C

Gene: TMC1 (transmembrane channel like 1; plus strand). Cytogenetic location: 9q21.13.
Variant type: single nucleotide variant.
Coding change: c.362+1G>C on transcript NM_138691.3 (MANE Select); the canonical splice donor site of the intron after coding-DNA position 362, G replaced by C.
Molecular consequence: splice donor variant.
Genome position (GRCh38, 1-based): chr9:72,700,644, G>C. VCF-style: chr9-72700644-G-C. GRCh37 (hg19) VCF-style: chr9-75315560-G-C.
Identifiers: ClinVar variation 2700721 (VCV002700721.3), dbSNP rs1826626358, ClinGen allele CA373724682.

ClinVar aggregate classification (germline): Likely pathogenic (1 of 4 stars; one submission).

Allele frequency attached by ClinVar (database versions not stated): gnomAD exomes below 0.00001.
gnomAD v4.1: 1 of 1,579,830 alleles (0.000063%); highest among the groups gnomAD compares: Non-Finnish European, 0.000086%; no homozygotes.

Submission:

Labcorp Genetics (formerly Invitae), Labcorp
Classification: Likely pathogenic. Last evaluated: 2023-08-29. Review status: criteria provided, single submitter. Criteria: Invitae Variant Classification Sherloc (09022015). Collection method: clinical testing. Allele origin: germline.
Comment: This sequence change affects a donor splice site in intron 8 of the TMC1 gene. It is expected to disrupt RNA splicing. Variants that disrupt the donor or acceptor splice site typically lead to a loss of protein function (PMID: 16199547), and loss-of-function variants in TMC1 are known to be pathogenic (PMID: 11850618, 22105175). In summary, the currently available evidence indicates that the variant is pathogenic, but additional data are needed to prove that conclusively. Therefore, this variant has been classified as Likely Pathogenic. Algorithms developed to predict the effect of sequence changes on RNA splicing suggest that this variant may disrupt the consensus splice site. This variant has not been reported in the literature in individuals affected with TMC1-related conditions. This variant is not present in population databases (gnomAD no frequency).

Literature cited by the submitters: PubMed 16199547; PubMed 11850618; PubMed 22105175.